The following is an entry in ClinVar:

ClinVar aggregate classification (germline): Pathogenic (1 of 4 stars; one submission).

Submission:

Labcorp Genetics (formerly Invitae), Labcorp
Classification: Pathogenic. Last evaluated: 2023-12-14. Review status: criteria provided, single submitter. Criteria: Invitae Variant Classification Sherloc (09022015). Collection method: clinical testing. Allele origin: germline.
Comment: This sequence change creates a premature translational stop signal (p.Arg2428Profs*15) in the SRCAP gene. While this is not anticipated to result in nonsense mediated decay, it is expected to disrupt the last 803 amino acid(s) of the SRCAP protein. This variant is not present in population databases (gnomAD no frequency). This premature translational stop signal has been observed in individual(s) with Floating-Harbor syndrome (PMID: 27934915). This variant disrupts a region of the SRCAP protein in which other variant(s) (p.Gln3043Alafs*9) have been determined to be pathogenic (PMID: 33909990). This suggests that this is a clinically significant region of the protein, and that variants that disrupt it are likely to be disease-causing. For these reasons, this variant has been classified as Pathogenic.

Literature cited by the submitters: PubMed 27934915; PubMed 33909990.

NM_006662.3(SRCAP):c.7282dup (p.Arg2428fs)

Gene: SRCAP (Snf2 related CREBBP activator protein; plus strand). Cytogenetic location: 16p11.2.
Variant type: Duplication.
Coding change: c.7282dup on transcript NM_006662.3 (MANE Select); coding-DNA position 7282, one base duplicated (C; older notation c.7282dupC).
Protein change: p.Arg2428fs; shifts the reading frame from arginine 2428.
Molecular consequence: frameshift variant.
Genome position (GRCh38, 1-based): chr16:30,737,322, C duplicated; the last of 4 consecutive C bases (chr16:30,737,319-30,737,322); duplicating any one gives the same sequence. VCF-style (leftmost placement, unchanged base first): chr16-30737318-A-AC. GRCh37 (hg19) VCF-style: chr16-30748639-A-AC.
Other names: short protein forms R2428fs.
Identifiers: ClinVar variation 2702680 (VCV002702680.3), dbSNP rs2506726581, ClinGen allele CA2697555784.